The following is an entry in ClinVar:

ClinVar aggregate classification (germline): Likely benign. Review status: criteria provided, multiple submitters, no conflicts (2 of 4 stars). 9 submissions from 6 submitters: Likely benign (9). Last evaluated 2026-07-01.

Conditions:
Malignant hyperthermia, susceptibility to, 5 (MHS5). Also called: CACNA1S-Related Malignant Hyperthermia Susceptibility. Identifiers: Orphanet 423, MedGen C1866077, MONDO:0011163, OMIM 601887.
Hypokalemic periodic paralysis, type 1. Also called: Hypokalemic Periodic Paralysis Type 1 (AD); HypoPP. Identifiers: Orphanet 681, MedGen C3714580, MONDO:0042979, OMIM 170400.
Thyrotoxic periodic paralysis, susceptibility to, 1 (TTPP1). Identifiers: Orphanet 79102, MedGen C2749982, MONDO:0008570, OMIM 188580.
Congenital myopathy 18. Also called: DIHYDROPYRIDINE RECEPTOR CONGENITAL MYOPATHY; DHPR CONGENITAL MYOPATHY; Myopathy, congenital, due to dihydropyridine receptor defect. Identifiers: MedGen C5830283, MONDO:0859514, OMIM 620246.

Allele frequency attached by ClinVar (database versions not stated): ExAC 0.00001; gnomAD exomes 0.00001; gnomAD 0.00002; TOPMed 0.00002.
gnomAD v4.1: 5 of 1,613,862 alleles (0.00031%); highest among the groups gnomAD compares: East Asian, 0.0067%; no homozygotes.

Submissions (9):

CeGaT Center for Human Genetics Tuebingen
Classification: Likely benign. Last evaluated: 2026-07-01. Review status: criteria provided, single submitter. Criteria: CeGaT Center For Human Genetics Tuebingen Variant Classification Criteria Version 2. Collection method: clinical testing. Allele origin: germline. Affected: yes. Observed: 1 variant allele.
Comment: CACNA1S: BP4, BP7

Labcorp Genetics (formerly Invitae), Labcorp
Classification: Likely benign for Hypokalemic periodic paralysis, type 1; Malignant hyperthermia, susceptibility to, 5. Last evaluated: 2025-12-10. Review status: criteria provided, single submitter. Criteria: Invitae Variant Classification Sherloc (09022015). Collection method: clinical testing. Allele origin: germline.

All of Us Research Program, National Institutes of Health
Classification: Likely benign for Malignant hyperthermia, susceptibility to, 5. Last evaluated: 2023-11-30. Review status: criteria provided, single submitter. Criteria: ACMG Guidelines, 2015. Collection method: clinical testing. Allele origin: germline. Inheritance: Autosomal dominant inheritance. Observed: 3 variant alleles, 3 heterozygotes.
Comment: This study involves interpretation of variants in research participants for the purpose of population health screening. Participant phenotype was not available at the time of variant classification. Additional details can be found in publication PMID: 35346344, PMCID: PMC8962531

Genome-Nilou Lab
Classification: Likely benign for Malignant hyperthermia, susceptibility to, 5. Last evaluated: 2023-04-11. Review status: criteria provided, single submitter. Criteria: ACMG Guidelines, 2015. Collection method: clinical testing. Allele origin: germline. Affected: no.

Genome-Nilou Lab
Classification: Likely benign for Thyrotoxic periodic paralysis, susceptibility to, 1. Last evaluated: 2023-04-11. Review status: criteria provided, single submitter. Criteria: ACMG Guidelines, 2015. Collection method: clinical testing. Allele origin: germline. Affected: no.

Genome-Nilou Lab
Classification: Likely benign for Congenital myopathy 18. Last evaluated: 2023-04-11. Review status: criteria provided, single submitter. Criteria: ACMG Guidelines, 2015. Collection method: clinical testing. Allele origin: germline. Affected: no.

Genome-Nilou Lab
Classification: Likely benign for Hypokalemic periodic paralysis, type 1. Last evaluated: 2023-04-11. Review status: criteria provided, single submitter. Criteria: ACMG Guidelines, 2015. Collection method: clinical testing. Allele origin: germline. Affected: no.

Color Diagnostics, LLC DBA Color Health
Classification: Likely benign for Malignant hyperthermia, susceptibility to, 5. Last evaluated: 2022-11-06. Review status: criteria provided, single submitter. Criteria: ACMG Guidelines, 2015. Collection method: clinical testing. Allele origin: germline.

Fulgent Genetics
Classification: Likely benign for Hypokalemic periodic paralysis, type 1; Thyrotoxic periodic paralysis, susceptibility to, 1; Malignant hyperthermia, susceptibility to, 5. Last evaluated: 2021-12-16. Review status: criteria provided, single submitter. Criteria: ACMG Guidelines, 2015. Collection method: clinical testing. Allele origin: unknown.

NM_000069.3(CACNA1S):c.2901G>A (p.Glu967=)

Gene: CACNA1S (calcium voltage-gated channel subunit alpha1 S; minus strand). Cytogenetic location: 1q32.1.
Variant type: single nucleotide variant.
Coding change: c.2901G>A on transcript NM_000069.3 (MANE Select); coding-DNA position 2901, G replaced by A.
Protein change: p.Glu967=; no amino-acid change (glutamic acid 967 retained).
Molecular consequence: synonymous variant.
Genome position (GRCh38, 1-based): chr1:201,062,467, C>T on the plus strand (G>A on the coding strand, the complement: CACNA1S is on the minus strand). VCF-style: chr1-201062467-C-T. GRCh37 (hg19) VCF-style: chr1-201031595-C-T.
Identifiers: ClinVar variation 699408 (VCV000699408.14), dbSNP rs745738564, ClinGen allele CA079365.